The following is an entry in ClinVar:

NM_017763.6(RNF43):c.2309-15G>T

Gene: RNF43 (ring finger protein 43; minus strand). Cytogenetic location: 17q22.
Variant type: single nucleotide variant.
Coding change: c.2309-15G>T on transcript NM_017763.6 (MANE Select); 15 bases into the intron before coding-DNA position 2309, G replaced by T.
Molecular consequence: intron variant.
Genome position (GRCh38, 1-based): chr17:58,355,001, C>A on the plus strand (G>T on the coding strand, the complement: RNF43 is on the minus strand). VCF-style: chr17-58355001-C-A. GRCh37 (hg19) VCF-style: chr17-56432362-C-A.
Other names: c.2309-15G>T (NM_001438822.1, NM_001305544.3); c.1928-15G>T (NM_001305545.2).
Identifiers: ClinVar variation 4875772 (VCV004875772.1).

ClinVar aggregate classification (germline): Likely benign (1 of 4 stars; one submission).

Conditions:
Sessile serrated polyposis cancer syndrome (SSPCS). Identifiers: Orphanet 157798, MedGen C4310714, MONDO:0014919, OMIM 617108.

gnomAD v4.1: 1 of 1,612,452 alleles (0.000062%); highest among the groups gnomAD compares: South Asian, 0.0011%; no homozygotes.

Submission:

Myriad Genetics, Inc.
Classification: Likely benign for Sessile serrated polyposis cancer syndrome. Last evaluated: 2026-06-26. Review status: criteria provided, single submitter. Criteria: Myriad Autosomal Dominant, Autosomal Recessive and X-Linked Classification Criteria (2023). Collection method: clinical testing. Allele origin: unknown.
Comment: This variant is considered likely benign. This variant is intronic and is not expected to impact mRNA splicing.